The following is an entry in ClinVar:

NM_207122.2(EXT2):c.918C>T (p.Phe306=)

Gene: EXT2 (exostosin glycosyltransferase 2; plus strand). Cytogenetic location: 11p11.2.
Variant type: single nucleotide variant.
Coding change: c.918C>T on transcript NM_207122.2 (MANE Select); coding-DNA position 918, C replaced by T.
Protein change: p.Phe306=; no amino-acid change (phenylalanine 306 retained).
Molecular consequence: synonymous variant.
Genome position (GRCh38, 1-based): chr11:44,124,963, C>T. VCF-style: chr11-44124963-C-T. GRCh37 (hg19) VCF-style: chr11-44146513-C-T.
Other names: c.1017C>T, p.Phe339= (NM_000401.3); c.918C>T, p.Phe306= (NM_001178083.3, NM_001389628.1, NM_001389630.1).
Identifiers: ClinVar variation 304582 (VCV000304582.19), dbSNP rs35436405, ClinGen allele CA5955030.
Genomic context (GRCh38, chr11:44,124,963, plus strand): 5'-CACCAACCTCTCAGAGGGTGTCCTTTCTGTCCGTAAGCGCTGCCACAAGCACCAGGTCTT[C>T]GATTACCCACAGGTGCTACAGGTGAGTGTCATTCATTACCTCTCGCAAAGGCTCAGGAGA-3'
Protein context (NP_997005.1, residues 296-316): VRKRCHKHQV[Phe306=]DYPQVLQEAT

ClinVar aggregate classification (germline): Benign/Likely benign. Review status: criteria provided, multiple submitters, no conflicts (2 of 4 stars). 7 submissions from 6 submitters: Benign (6); Likely benign (1). Last evaluated 2026-01-07.

Conditions:
Exostoses, multiple, type 1 (EXT1). Also called: EXOSTOSES, MULTIPLE, TYPE I; Hereditary Multiple Osteochondromatosis, Type I. Identifiers: MedGen CN263289, MONDO:0007585, OMIM 133700.
Exostoses, multiple, type 2 (EXT2). Also called: EXOSTOSES, MULTIPLE, TYPE II; Hereditary Multiple Osteochondromatosis, Type II. Identifiers: Orphanet 321, MedGen C1851413, MONDO:0007586, OMIM 133701.

Allele frequency attached by ClinVar (database versions not stated): 1000 Genomes Project 0.00499; TOPMed 0.00638; ESP Exome Variant Server 0.00646; gnomAD exomes 0.00064 and 0.00139; ExAC 0.00172; 1000 Genomes Project 30x 0.00484.
gnomAD v4.1: 1,818 of 1,613,152 alleles (0.11%); highest among the groups gnomAD compares: African/African-American, 2%; 24 homozygotes.

Submissions (7):

Labcorp Genetics (formerly Invitae), Labcorp
Classification: Benign for Exostoses, multiple, type 2. Last evaluated: 2026-01-07. Review status: criteria provided, single submitter. Criteria: Invitae Variant Classification Sherloc (09022015). Collection method: clinical testing. Allele origin: germline.

KCCC/NGS Laboratory, Kuwait Cancer Control Center
Classification: Benign for Exostoses, multiple, type 2. Last evaluated: 2025-02-01. Review status: criteria provided, single submitter. Criteria: ACMG Guidelines, 2015. Collection method: clinical testing. Allele origin: germline. Affected: no.

Blueprint Genetics
Classification: Likely benign. Last evaluated: 2024-11-25. Review status: criteria provided, single submitter. Criteria: ACMG Guidelines, 2015. Collection method: clinical testing. Allele origin: germline.

KCCC/NGS Laboratory, Kuwait Cancer Control Center
Classification: Benign for Exostoses, multiple, type 1. Last evaluated: 2023-07-07. Review status: criteria provided, single submitter. Criteria: ACMG Guidelines, 2015. Collection method: clinical testing. Allele origin: germline. Affected: yes.

Illumina Laboratory Services, Illumina
Classification: Benign for Exostoses, multiple, type 2. Last evaluated: 2018-01-13. Review status: criteria provided, single submitter. Criteria: ICSL Variant Classification Criteria 13 December 2019. Collection method: clinical testing. Allele origin: germline.
Comment: This variant was observed in the ICSL laboratory as part of a predisposition screen in an ostensibly healthy population. It had not been previously curated by ICSL or reported in the Human Gene Mutation Database (HGMD: prior to June 1st, 2018), and was therefore a candidate for classification through an automated scoring system. Utilizing variant allele frequency, disease prevalence and penetrance estimates, and inheritance mode, an automated score was calculated to assess if this variant is too frequent to cause the disease. Based on the score and internal cut-off values, a variant classified as benign is not then subjected to further curation. The score for this variant resulted in a classification of benign for this disease.

GeneDx
Classification: Benign. Last evaluated: 2015-08-31. Review status: criteria provided, single submitter. Criteria: GeneDx Variant Classification (06012015). Collection method: clinical testing. Allele origin: germline. Affected: yes.
Comment: This variant is considered likely benign or benign based on one or more of the following criteria: it is a conservative change, it occurs at a poorly conserved position in the protein, it is predicted to be benign by multiple in silico algorithms, and/or has population frequency not consistent with disease.

Breakthrough Genomics
Classification: Benign. Review status: criteria provided, single submitter. Criteria: ACMG Guidelines, 2015. Collection method: not provided. Allele origin: germline. Inheritance: Autosomal recessive inheritance. Affected: yes.